The following is an entry in ClinVar:

ClinVar aggregate classification (germline): Uncertain significance. Review status: criteria provided, multiple submitters, no conflicts (2 of 4 stars). 2 submissions from 2 submitters: Uncertain significance (2). Last evaluated 2022-07-21.

Conditions:
Hereditary cancer-predisposing syndrome. Also called: Neoplastic Syndromes, Hereditary; Tumor predisposition; Hereditary Cancer Syndrome; Hereditary neoplastic syndrome. Identifiers: Orphanet 140162, MedGen C0027672, MeSH D009386, MONDO:0015356.
Ataxia-telangiectasia syndrome (AT). Also called: Ataxia telangiectasia (A-T); ATAXIA-TELANGIECTASIA, COMPLEMENTATION GROUP A; ATAXIA-TELANGIECTASIA, FRESNO VARIANT; Ataxia-telangiectasia; Ataxia-telangiectasia, complementation group E; LOUIS-BAR SYNDROME. Identifiers: Orphanet 100, MedGen C0004135, MONDO:0008840, OMIM 208900.

Submissions (2):

Ambry Genetics
Classification: Uncertain significance for Hereditary cancer-predisposing syndrome. Last evaluated: 2022-07-21. Review status: criteria provided, single submitter. Criteria: Ambry Variant Classification Scheme 2023. Collection method: clinical testing. Allele origin: germline.
Comment: The p.Q2206E variant (also known as c.6616C>G), located in coding exon 45 of the ATM gene, results from a C to G substitution at nucleotide position 6616. The glutamine at codon 2206 is replaced by glutamic acid, an amino acid with highly similar properties. This amino acid position is conserved. In addition, this alteration is predicted to be tolerated by in silico analysis. Since supporting evidence is limited at this time, the clinical significance of this alteration remains unclear.

Labcorp Genetics (formerly Invitae), Labcorp
Classification: Uncertain significance for Ataxia-telangiectasia syndrome. Last evaluated: 2020-08-14. Review status: criteria provided, single submitter. Criteria: Invitae Variant Classification Sherloc (09022015). Collection method: clinical testing. Allele origin: germline.
Comment: Algorithms developed to predict the effect of missense changes on protein structure and function (SIFT, PolyPhen-2, Align-GVGD) all suggest that this variant is likely to be tolerated, but these predictions have not been confirmed by published functional studies and their clinical significance is uncertain. In summary, the available evidence is currently insufficient to determine the role of this variant in disease. Therefore, it has been classified as a Variant of Uncertain Significance. This variant has not been reported in the literature in individuals with ATM-related conditions. This variant is not present in population databases (ExAC no frequency). This sequence change replaces glutamine with glutamic acid at codon 2206 of the ATM protein (p.Gln2206Glu). The glutamine residue is moderately conserved and there is a small physicochemical difference between glutamine and glutamic acid.

NM_000051.4(ATM):c.6616C>G (p.Gln2206Glu)

Genes: ATM (ATM serine/threonine kinase; plus strand), C11orf65 (chromosome 11 open reading frame 65; minus strand). Cytogenetic location: 11q22.3.
Variant type: single nucleotide variant.
Coding change: c.6616C>G on transcript NM_000051.4 (MANE Select); coding-DNA position 6616, C replaced by G.
Protein change: p.Gln2206Glu; replaces glutamine 2206 with glutamic acid.
Molecular consequence: missense variant. On other transcripts: intron variant (2).
Genome position (GRCh38, 1-based): chr11:108,325,353, C>G. VCF-style: chr11-108325353-C-G. GRCh37 (hg19) VCF-style: chr11-108196080-C-G.
Other names: c.6616C>G, p.Gln2206Glu (NM_001351834.2); c.641-16282G>C (NM_001330368.2); c.*38+9867G>C (NM_001351110.2); short protein forms Q2206E.
Identifiers: ClinVar variation 1015742 (VCV001015742.11), dbSNP rs2085554912, ClinGen allele CA382554737.